The following is an entry in ClinVar:

ClinVar aggregate classification (germline): Uncertain significance (1 of 4 stars; one submission).

Submission:

GeneDx
Classification: Uncertain significance. Last evaluated: 2023-06-21. Review status: criteria provided, single submitter. Criteria: GeneDx Variant Classification Process June 2021. Collection method: clinical testing. Allele origin: germline. Affected: yes.
Comment: Not observed at significant frequency in large population cohorts (gnomAD); In silico analysis supports that this missense variant has a deleterious effect on protein structure/function; Has not been previously published as pathogenic or benign to our knowledge

NM_001330360.2(POLA1):c.3101A>G (p.Glu1034Gly)

Gene: POLA1 (DNA polymerase alpha 1, catalytic subunit; plus strand). Cytogenetic location: Xp22.11.
Variant type: single nucleotide variant.
Coding change: c.3101A>G on transcript NM_001330360.2 (MANE Select); coding-DNA position 3101, A replaced by G.
Protein change: p.Glu1034Gly; replaces glutamic acid 1034 with glycine.
Molecular consequence: missense variant. On other transcripts: non-coding transcript variant (2).
Genome position (GRCh38, 1-based): chrX:24,812,668, A>G. VCF-style: chrX-24812668-A-G. GRCh37 (hg19) VCF-style: chrX-24830785-A-G.
Other names: c.3026A>G, p.Glu1009Gly (NM_001378303.1); c.3083A>G, p.Glu1028Gly (NM_016937.4); short protein forms E1009G, E1028G, E1034G.
Identifiers: ClinVar variation 3360085 (VCV003360085.1).